The following is an entry in ClinVar:

ClinVar aggregate classification (germline): Uncertain significance (1 of 4 stars; one submission).

Conditions:
Hereditary cancer-predisposing syndrome. Also called: Neoplastic Syndromes, Hereditary; Tumor predisposition; Hereditary neoplastic syndrome; Hereditary Cancer Syndrome. Identifiers: Orphanet 140162, MedGen C0027672, MeSH D009386, MONDO:0015356.

Submission:

Ambry Genetics
Classification: Uncertain significance for Hereditary cancer-predisposing syndrome. Last evaluated: 2026-07-07. Review status: criteria provided, single submitter. Criteria: Ambry Variant Classification Scheme 2023. Collection method: clinical testing. Allele origin: germline.
Comment: The p.A200S variant (also known as c.598G>T), located in coding exon 5 of the FH gene, results from a G to T substitution at nucleotide position 598. The alanine at codon 200 is replaced by serine, an amino acid with similar properties. This amino acid position is conserved. In addition, the in silico prediction for this alteration is inconclusive. Based on the available evidence, the clinical significance of this variant remains unclear.

NM_000143.4(FH):c.598G>T (p.Ala200Ser)

Gene: FH (fumarate hydratase; minus strand). Cytogenetic location: 1q43.
Variant type: single nucleotide variant.
Coding change: c.598G>T on transcript NM_000143.4 (MANE Select); coding-DNA position 598, G replaced by T.
Protein change: p.Ala200Ser; replaces alanine 200 with serine.
Molecular consequence: missense variant.
Genome position (GRCh38, 1-based): chr1:241,508,743, C>A on the plus strand (G>T on the coding strand, the complement: FH is on the minus strand). VCF-style: chr1-241508743-C-A. GRCh37 (hg19) VCF-style: chr1-241672043-C-A.
Other names: short protein forms A200S.
Identifiers: ClinVar variation 5021703 (VCV005021703.1).
Genomic context (GRCh38, chr1:241,508,743, plus strand): 5'-CATCAAGAGCATCATGTAACTTCTGTAGTCCTGGTAACAGTACTTCATGAACTTCTATTG[C>A]AGCAGCAATGTGCATTGCTGTGGGAAAAGTATCATTTGAGCTCTGTTGGAAATTTTTCAA-3'
Protein context (NP_000134.2, residues 190-210): TFPTAMHIAA[Ala200Ser]IEVHEVLLPG